The following is an entry in ClinVar:

ClinVar aggregate classification (germline): Pathogenic. Review status: criteria provided, single submitter (1 of 4 stars). 3 submissions from 3 submitters: Pathogenic (1). 2 of the submissions do not count toward it. Last evaluated 2024-02-16.

Conditions:
Alzheimer disease 3 (AD3). Also called: ALZHEIMER DISEASE, FAMILIAL, 3. Identifiers: Orphanet 1020, MedGen C1843013, MONDO:0011913, OMIM 607822.

Submissions (3):

Athena Diagnostics
Classification: Pathogenic. Last evaluated: 2024-02-16. Review status: criteria provided, single submitter. Criteria: Athena Diagnostics Criteria. Collection method: clinical testing. Allele origin: unknown.
Comment: This variant has been identified in at least one individual with Alzheimer disease. This variant has not been reported in large, multi-ethnic general populations. At least one other missense variant at this codon is considered to be pathogenic or likely pathogenic, suggesting this variant may also cause disease. Assessment of experimental evidence suggests this variant results in abnormal protein function. (PMID: 10327206, 27930341)

OMIM
Classification: Pathogenic for ALZHEIMER DISEASE, FAMILIAL, 3. Last evaluated: 1995-10-01. Review status: no assertion criteria provided. Collection method: literature only. Allele origin: germline. Not counted in ClinVar's aggregate classification.

VIB  Department of Molecular Genetics, University of Antwerp
No classification provided. Review status: no classification provided. Collection method: not provided. Allele origin: not provided. Not counted in ClinVar's aggregate classification.

Literature cited by the submitters: PubMed 36626935 (cited by Athena Diagnostics); PubMed 19796846 (cited by Athena Diagnostics); PubMed 27930341 (cited by Athena Diagnostics); PubMed 29747683 (cited by Athena Diagnostics); PubMed 28209190 (cited by Athena Diagnostics); PubMed 33476461 (cited by Athena Diagnostics); PubMed 37697307 (cited by Athena Diagnostics); PubMed 9605727 (cited by Athena Diagnostics); PubMed 20541250 (cited by Athena Diagnostics); PubMed 9223097 (cited by Athena Diagnostics); PubMed 10327206 (cited by Athena Diagnostics); PubMed 14743455 (cited by Athena Diagnostics); PubMed 7550356 (cited by Athena Diagnostics and OMIM).

NM_000021.4(PSEN1):c.487C>T (p.His163Tyr)

Gene: PSEN1 (presenilin 1; plus strand). Cytogenetic location: 14q24.2.
Variant type: single nucleotide variant.
Coding change: c.487C>T on transcript NM_000021.4 (MANE Select); coding-DNA position 487, C replaced by T.
Protein change: p.His163Tyr; replaces histidine 163 with tyrosine.
Molecular consequence: missense variant.
Genome position (GRCh38, 1-based): chr14:73,186,859, C>T. VCF-style: chr14-73186859-C-T. GRCh37 (hg19) VCF-style: chr14-73653567-C-T.
Other names: c.475C>T, p.His159Tyr (NM_007318.3); c.487C>T (NM_000021.3); short protein forms H163Y, H159Y.
Identifiers: ClinVar variation 18130 (VCV000018130.2), dbSNP rs63749885, ClinGen allele CA225033.